The following is an entry in ClinVar:

NM_001931.5(DLAT):c.267C>A (p.Pro89=)

Gene: DLAT (dihydrolipoamide S-acetyltransferase; plus strand). Cytogenetic location: 11q23.1.
Variant type: single nucleotide variant.
Coding change: c.267C>A on transcript NM_001931.5 (MANE Select); coding-DNA position 267, C replaced by A.
Protein change: p.Pro89=; no amino-acid change (proline 89 retained).
Molecular consequence: synonymous variant. On other transcripts: missense variant (1), 5 prime UTR variant (1), non-coding transcript variant (1), intron variant (1).
Genome position (GRCh38, 1-based): chr11:112,025,739, C>A. VCF-style: chr11-112025739-C-A. GRCh37 (hg19) VCF-style: chr11-111896463-C-A.
Other names: c.267C>A (NM_001931.4); c.267C>A, p.Pro89= (NM_001372031.1, NM_001372032.1, NM_001372033.1 and 6 more transcripts); c.226C>A, p.Pro76Thr (NM_001372036.1); c.-200C>A (NM_001372042.1); c.111+115C>A (NM_001372037.1); short protein forms P76T.
Identifiers: ClinVar variation 1662662 (VCV001662662.10), dbSNP rs782078082, ClinGen allele CA6276570.

ClinVar aggregate classification (germline): Likely benign. Review status: criteria provided, single submitter (1 of 4 stars). 2 submissions from 2 submitters: Likely benign (1). 1 of the submissions does not count toward it. Last evaluated 2024-01-22.

Conditions:
DLAT-related disorder. Also called: DLAT-related condition.
Pyruvate dehydrogenase E2 deficiency (PDHDD). Also called: LACTIC ACIDEMIA DUE TO DEFECT OF E2 LIPOYL TRANSACETYLASE OF THE PYRUVATE DEHYDROGENASE COMPLEX; Dihydrolipoamide Acetyltransferase (E2) Deficiency. Identifiers: Orphanet 765, Orphanet 79244, MedGen C1855565, MONDO:0009502, OMIM 245348.

Allele frequency attached by ClinVar (database versions not stated): gnomAD 0.00001; gnomAD exomes 0.00002; TOPMed 0.00002; ExAC 0.00003.
gnomAD v4.1: 21 of 1,613,192 alleles (0.0013%); highest among the groups gnomAD compares: Middle Eastern, 0.049%; no homozygotes.

Submissions (2):

Labcorp Genetics (formerly Invitae), Labcorp
Classification: Likely benign for Pyruvate dehydrogenase E2 deficiency. Last evaluated: 2024-01-22. Review status: criteria provided, single submitter. Criteria: Invitae Variant Classification Sherloc (09022015). Collection method: clinical testing. Allele origin: germline.

PreventionGenetics, part of Exact Sciences
Classification: Likely benign for DLAT-related condition. Last evaluated: 2019-03-02. Review status: no assertion criteria provided. Collection method: clinical testing. Allele origin: germline. Not counted in ClinVar's aggregate classification.
Comment: This variant is classified as likely benign based on ACMG/AMP sequence variant interpretation guidelines (Richards et al. 2015 PMID: 25741868, with internal and published modifications).